The following is an entry in ClinVar:

ClinVar aggregate classification (germline): Likely pathogenic. Review status: criteria provided, multiple submitters, no conflicts (2 of 4 stars). 3 submissions from 3 submitters: Likely pathogenic (3). Last evaluated 2024-08-23.

Conditions:
Wilson disease (WND). Also called: Wilson's disease. Identifiers: Orphanet 905, MedGen C0019202, MONDO:0010200, OMIM 277900. Disease mechanism: loss of function.

Allele frequency attached by ClinVar (database versions not stated): gnomAD exomes below 0.00001; ExAC 0.00001.
gnomAD v4.1: 4 of 1,614,220 alleles (0.00025%); highest among the groups gnomAD compares: South Asian, 0.0044%; no homozygotes.

Submissions (3):

Institute of Medical Genetics and Applied Genomics, University Hospital Tübingen
Classification: Likely pathogenic for Wilson disease. Last evaluated: 2024-08-23. Review status: criteria provided, single submitter. Criteria: ACMG Guidelines, 2015. Collection method: clinical testing. Allele origin: germline. Inheritance: Autosomal recessive inheritance. Affected: yes.
Comment: variant in homozygous state

Genetic Services Laboratory, University of Chicago
Classification: Likely pathogenic. Last evaluated: 2024-06-14. Review status: criteria provided, single submitter. Criteria: ACMG Guidelines, 2015. Collection method: clinical testing. Allele origin: germline. Affected: yes.
Comment: DNA sequence analysis of the ATP7B gene demonstrated a sequence change, c.3912G>T, in exon 19 that results in an amino acid change, p.Leu1304Phe. The p.Leu1304Phe change affects a highly conserved amino acid residue located in a cation-transporting P-type ATPase domain of the ATP7B protein that is known to be functional. In-silico pathogenicity prediction tools (SIFT, PolyPhen2, Align GVGD, REVEL) provide contradictory results for the p.Leu1304Phe substitution. This particular amino acid change has been described in the literature in an individual with Wilson disease with chronic liver disease (PMID: 21610751) in a homozygous state. This sequence change has been described in the gnomAD database in 4 individuals which corresponds to a population frequency of 0.0044 % (dbSNP rs748644391). The p.Leu1304Phe amino acid change occurs in a domain of the ATP7B gene where other missense sequence changes have been described in individuals with Wilson disease. These collective evidences indicate that this sequence change is likely pathogenic, however functional studies have not been performed to prove this conclusively.

Labcorp Genetics (formerly Invitae), Labcorp
Classification: Likely pathogenic for Wilson disease. Last evaluated: 2022-09-20. Review status: criteria provided, single submitter. Criteria: Invitae Variant Classification Sherloc (09022015). Collection method: clinical testing. Allele origin: germline.
Comment: This sequence change replaces leucine, which is neutral and non-polar, with phenylalanine, which is neutral and non-polar, at codon 1304 of the ATP7B protein (p.Leu1304Phe). In summary, the currently available evidence indicates that the variant is pathogenic, but additional data are needed to prove that conclusively. Therefore, this variant has been classified as Likely Pathogenic. Advanced modeling of protein sequence and biophysical properties (such as structural, functional, and spatial information, amino acid conservation, physicochemical variation, residue mobility, and thermodynamic stability) performed at Invitae indicates that this missense variant is expected to disrupt ATP7B protein function. This missense change has been observed in individual(s) with Wilson disease (PMID: 21610751; Invitae). This variant is present in population databases (rs748644391, gnomAD 0.003%).

Literature cited by the submitters: PubMed 21610751 (cited by Labcorp Genetics (formerly Invitae), Labcorp).

NM_000053.4(ATP7B):c.3912G>T (p.Leu1304Phe)

Gene: ATP7B (ATPase copper transporting beta; minus strand). Cytogenetic location: 13q14.3.
Variant type: single nucleotide variant.
Coding change: c.3912G>T on transcript NM_000053.4 (MANE Select); coding-DNA position 3912, G replaced by T.
Protein change: p.Leu1304Phe; replaces leucine 1304 with phenylalanine.
Molecular consequence: missense variant.
Genome position (GRCh38, 1-based): chr13:51,937,385, C>A on the plus strand (G>T on the coding strand, the complement: ATP7B is on the minus strand). VCF-style: chr13-51937385-C-A. GRCh37 (hg19) VCF-style: chr13-52511521-C-A.
Other names: c.3291G>T, p.Leu1097Phe (NM_001005918.3); c.3579G>T, p.Leu1193Phe (NM_001243182.2); c.3678G>T, p.Leu1226Phe (NM_001330578.2, NM_001406527.1, NM_001406528.1); c.3660G>T, p.Leu1220Phe (NM_001330579.2, NM_001406531.1, NM_001406532.1); c.3912G>T, p.Leu1304Phe (NM_001406511.1, NM_001406512.1); c.3906G>T, p.Leu1302Phe (NM_001406513.1); c.3879G>T, p.Leu1293Phe (NM_001406514.1); c.3858G>T, p.Leu1286Phe (NM_001406515.1, NM_001406516.1); and 22 more; short protein forms L1193F, L1224F, L1239F, L1272F, L1293F, L874F, L1023F, L1088F.
Identifiers: ClinVar variation 2137511 (VCV002137511.7), dbSNP rs748644391, ClinGen allele CA6988535.
Genomic context (GRCh38, chr13:51,937,385, plus strand): 5'-GTTGATGCGTATCCTTCGGACAGTCCTCTTGGAAAGGTGAATGCTAGCCACCACATCCAG[C>A]AAATCATTCTGATGGAGAGGAGCACACAGTGAGGAAGGGGTCTGCCCATTGCCCTCCCAG-3'
Protein context (NP_000044.2, residues 1294-1314): AADVVLIRND[Leu1304Phe]LDVVASIHLS